The following is an entry in ClinVar:

ClinVar aggregate classification (germline): Pathogenic/Likely pathogenic. Review status: criteria provided, multiple submitters, no conflicts (2 of 4 stars). 5 submissions from 5 submitters: Pathogenic (2); Likely pathogenic (3). Last evaluated 2024-09-16.

Conditions:
Spastic paraplegia. Identifiers: MedGen C0037772, HP:0001258.
Hereditary spastic paraplegia. Also called: Familial spastic paraparesis. Identifiers: Orphanet 685, MedGen C0037773, MONDO:0019064. Disease mechanism: loss of function.
Hereditary spastic paraplegia 15 (SPG15). Also called: SPASTIC PARAPLEGIA AND RETINAL DEGENERATION; SPASTIC PARAPLEGIA 15, AUTOSOMAL RECESSIVE; KJELLIN SYNDROME. Identifiers: Orphanet 100996, MedGen C1849128, MONDO:0010044, OMIM 270700.
ZFYVE26-related disorder. Also called: ZFYVE26-related condition.

Allele frequency attached by ClinVar (database versions not stated): gnomAD exomes below 0.00001; gnomAD 0.00001; TOPMed 0.00001.
gnomAD v4.1: 4 of 1,614,010 alleles (0.00025%); highest among the groups gnomAD compares: Non-Finnish European, 0.00034%; no homozygotes.

Submissions (5):

Blueprint Genetics
Classification: Likely pathogenic for ZFYVE26-related disorders. Last evaluated: 2024-09-16. Review status: criteria provided, single submitter. Criteria: ACMG Guidelines, 2015. Collection method: clinical testing. Allele origin: germline. Affected: yes. Observed: 2 variant alleles.

Fulgent Genetics
Classification: Likely pathogenic for Hereditary spastic paraplegia 15. Last evaluated: 2024-03-02. Review status: criteria provided, single submitter. Criteria: ACMG Guidelines, 2015. Collection method: clinical testing. Allele origin: germline.

Labcorp Genetics (formerly Invitae), Labcorp
Classification: Pathogenic for Spastic paraplegia. Last evaluated: 2023-09-11. Review status: criteria provided, single submitter. Criteria: Invitae Variant Classification Sherloc (09022015). Collection method: clinical testing. Allele origin: germline.
Comment: For these reasons, this variant has been classified as Pathogenic. Algorithms developed to predict the effect of sequence changes on RNA splicing suggest that this variant may disrupt the consensus splice site. ClinVar contains an entry for this variant (Variation ID: 989052). This variant has not been reported in the literature in individuals affected with ZFYVE26-related conditions. This variant is present in population databases (no rsID available, gnomAD 0.0009%). This sequence change creates a premature translational stop signal (p.Gln1128*) in the ZFYVE26 gene. It is expected to result in an absent or disrupted protein product. Loss-of-function variants in ZFYVE26 are known to be pathogenic (PMID: 18394578, 19805727).

Genome Diagnostics Laboratory, The Hospital for Sick Children
Classification: Likely pathogenic for Hereditary spastic paraplegia. Last evaluated: 2021-06-15. Review status: criteria provided, single submitter. Criteria: ACMG Guidelines, 2015. Collection method: clinical testing. Allele origin: germline. Affected: yes.

Paris Brain Institute, Inserm - ICM
Classification: Pathogenic for Hereditary spastic paraplegia 15. Review status: criteria provided, single submitter. Criteria: ACMG Guidelines, 2015. Collection method: clinical testing. Allele origin: unknown. Affected: yes. Observed: 1 variant allele.

Literature cited by the submitters: PubMed 18394578 (cited by Labcorp Genetics (formerly Invitae), Labcorp); PubMed 19805727 (cited by Labcorp Genetics (formerly Invitae), Labcorp).

NM_015346.4(ZFYVE26):c.3382C>T (p.Gln1128Ter)

Gene: ZFYVE26 (zinc finger FYVE-type containing 26; minus strand). Cytogenetic location: 14q24.1.
Variant type: single nucleotide variant.
Coding change: c.3382C>T on transcript NM_015346.4 (MANE Select); coding-DNA position 3382, C replaced by T.
Protein change: p.Gln1128Ter; replaces glutamine 1128 with a stop codon.
Molecular consequence: nonsense.
Genome position (GRCh38, 1-based): chr14:67,785,200, G>A on the plus strand (C>T on the coding strand, the complement: ZFYVE26 is on the minus strand). VCF-style: chr14-67785200-G-A. GRCh37 (hg19) VCF-style: chr14-68251917-G-A.
Other names: c.3382C>T (NM_015346.3); short protein forms Q1128*.
Identifiers: ClinVar variation 989052 (VCV000989052.13), dbSNP rs988442865, ClinGen allele CA262851700.